The following is an entry in ClinVar:

NM_001039591.3(USP9X):c.7207C>T (p.Gln2403Ter)

Gene: USP9X (ubiquitin specific peptidase 9 X-linked; plus strand). Cytogenetic location: Xp11.4.
Variant type: single nucleotide variant.
Coding change: c.7207C>T on transcript NM_001039591.3 (MANE Select); coding-DNA position 7207, C replaced by T.
Protein change: p.Gln2403Ter; replaces glutamine 2403 with a stop codon.
Molecular consequence: nonsense.
Genome position (GRCh38, 1-based): chrX:41,229,398, C>T. VCF-style: chrX-41229398-C-T. GRCh37 (hg19) VCF-style: chrX-41088651-C-T.
Other names: c.7207C>T, p.Gln2403Ter (NM_001039590.3); short protein forms Q2403*.
Identifiers: ClinVar variation 424197 (VCV000424197.2), dbSNP rs1064796854, ClinGen allele CA16621376.

ClinVar aggregate classification (germline): Pathogenic (1 of 4 stars; one submission).

Submission:

GeneDx
Classification: Pathogenic. Last evaluated: 2017-03-16. Review status: criteria provided, single submitter. Criteria: GeneDx Variant Classification (06012015). Collection method: clinical testing. Allele origin: germline. Affected: yes.
Comment: The Q2403X variant in the USP9X gene has not been reported previously as a pathogenic variant nor as a benign variant, to our knowledge. This variant is predicted to cause loss of normal protein function either through protein truncation or nonsense-mediated mRNA decay. The Q2403X variant is not observed in large population cohorts (Lek et al., 2016; 1000 Genomes Consortium et al., 2015; Exome Variant Server). We interpret Q2403X as a pathogenic variant.